The following is an entry in ClinVar:

NM_016111.4(TELO2):c.698T>A (p.Val233Glu)

Gene: TELO2 (telomere maintenance 2; plus strand). Cytogenetic location: 16p13.3.
Variant type: single nucleotide variant.
Coding change: c.698T>A on transcript NM_016111.4 (MANE Select); coding-DNA position 698, T replaced by A.
Protein change: p.Val233Glu; replaces valine 233 with glutamic acid.
Molecular consequence: missense variant.
Genome position (GRCh38, 1-based): chr16:1,497,376, T>A. VCF-style: chr16-1497376-T-A. GRCh37 (hg19) VCF-style: chr16-1547377-T-A.
Other names: c.698T>A, p.Val233Glu (NM_001351846.2); short protein forms V233E.
Identifiers: ClinVar variation 1927495 (VCV001927495.5), dbSNP rs2505926334, ClinGen allele CA394209168.

ClinVar aggregate classification (germline): Uncertain significance (1 of 4 stars; one submission).

Submission:

Labcorp Genetics (formerly Invitae), Labcorp
Classification: Uncertain significance. Last evaluated: 2023-07-17. Review status: criteria provided, single submitter. Criteria: Invitae Variant Classification Sherloc (09022015). Collection method: clinical testing. Allele origin: germline.
Comment: This sequence change replaces valine, which is neutral and non-polar, with glutamic acid, which is acidic and polar, at codon 233 of the TELO2 protein (p.Val233Glu). This variant is not present in population databases (gnomAD no frequency). This variant has not been reported in the literature in individuals affected with TELO2-related conditions. ClinVar contains an entry for this variant (Variation ID: 1927495). Advanced modeling of protein sequence and biophysical properties (such as structural, functional, and spatial information, amino acid conservation, physicochemical variation, residue mobility, and thermodynamic stability) performed at Invitae indicates that this missense variant is not expected to disrupt TELO2 protein function. In summary, the available evidence is currently insufficient to determine the role of this variant in disease. Therefore, it has been classified as a Variant of Uncertain Significance.